The following is an entry in ClinVar:

NM_000053.4(ATP7B):c.3083_3085delinsG (p.Lys1028fs)

Gene: ATP7B (ATPase copper transporting beta; minus strand). Cytogenetic location: 13q14.3.
Variant type: Indel.
Coding change: c.3083_3085delinsG on transcript NM_000053.4 (MANE Select); coding-DNA positions 3083 to 3085, AGA replaced by G.
Protein change: p.Lys1028fs; shifts the reading frame from lysine 1028.
Molecular consequence: frameshift variant.
Genome position (GRCh38, 1-based): chr13:51,944,267-51,944,269, TCT replaced by C on the plus strand (AGA replaced by G on the coding strand, the reverse complement: ATP7B is on the minus strand). VCF-style: chr13-51944267-TCT-C. GRCh37 (hg19) VCF-style: chr13-52518403-TCT-C.
Other names: c.2462_2464delinsG, p.Lys821fs (NM_001005918.3); c.2750_2752delinsG, p.Lys917fs (NM_001243182.2); c.2849_2851delinsG, p.Lys950fs (NM_001330578.2); c.2831_2833delinsG, p.Lys944fs (NM_001330579.2); short protein forms K917fs, K944fs, K821fs, K950fs, K1028fs.
Identifiers: ClinVar variation 633073 (VCV000633073.11), dbSNP rs1331370011, ClinGen allele CA913190609.

ClinVar aggregate classification (germline): Pathogenic. Review status: criteria provided, multiple submitters, no conflicts (2 of 4 stars). 8 submissions from 8 submitters: Pathogenic (8). Last evaluated 2024-09-27.

Conditions:
Wilson disease (WND). Also called: Wilson's disease. Identifiers: Orphanet 905, MedGen C0019202, MONDO:0010200, OMIM 277900. Disease mechanism: loss of function.

Submissions (8):

All of Us Research Program, National Institutes of Health
Classification: Pathogenic for Wilson disease. Last evaluated: 2024-09-27. Review status: criteria provided, single submitter. Criteria: ACMG Guidelines, 2015. Collection method: clinical testing. Allele origin: germline. Inheritance: Autosomal recessive inheritance. Observed: 2 variant alleles, 2 heterozygotes.
Comment: This variant deletes 4 nucleotides in exon 14 of the ATP7B gene, creating a frameshift and premature translation stop signal. This variant is expected to result in an absent or non-functional protein product. This variant is also known as 3083delAGA>G and 3085delAGA>G in the literature. This variant has been observed in individuals affected with autosomal recessive Wilson disease (PMID: 8533760, 8938442, 22677543, 30097039), including 1 homozygote (PMID: 8533760). This variant has not been identified in the general population by the Genome Aggregation Database (gnomAD). Loss of ATP7B function is a known mechanism of disease. Based on the available evidence, this variant is classified as Pathogenic.

This study involves interpretation of variants in research participants for the purpose of population health screening. Participant phenotype was not available at the time of variant classification. Additional details can be found in publication PMID: 35346344, PMCID: PMC8962531

Color Diagnostics, LLC DBA Color Health
Classification: Pathogenic for Wilson disease. Last evaluated: 2024-08-30. Review status: criteria provided, single submitter. Criteria: ACMG Guidelines, 2015. Collection method: clinical testing. Allele origin: germline.
Comment: This variant deletes 4 nucleotides in exon 14 of the ATP7B gene, creating a frameshift and premature translation stop signal. This variant is expected to result in an absent or non-functional protein product. This variant is also known as 3083delAGA>G and 3085delAGA>G in the literature. This variant has been observed in individuals affected with autosomal recessive Wilson disease (PMID: 8533760, 8938442, 22677543, 30097039), including 1 homozygote (PMID: 8533760). This variant has not been identified in the general population by the Genome Aggregation Database (gnomAD). Loss of ATP7B function is a known mechanism of disease. Based on the available evidence, this variant is classified as Pathogenic.

Lildballe Lab, Aarhus University Hospital
Classification: Pathogenic for Wilson disease. Last evaluated: 2024-08-29. Review status: criteria provided, single submitter. Criteria: ACMG Guidelines, 2015. Collection method: clinical testing. Allele origin: germline. Affected: yes.
Comment: PVS1, PP5, PM2

Revvity Omics, Revvity
Classification: Pathogenic for Wilson disease. Last evaluated: 2024-06-20. Review status: criteria provided, single submitter. Criteria: ACMG Guidelines, 2015. Collection method: clinical testing. Allele origin: germline.

Fulgent Genetics
Classification: Pathogenic for Wilson disease. Last evaluated: 2024-03-12. Review status: criteria provided, single submitter. Criteria: ACMG Guidelines, 2015. Collection method: clinical testing. Allele origin: germline.

Labcorp Genetics (formerly Invitae), Labcorp
Classification: Pathogenic for Wilson disease. Last evaluated: 2024-02-22. Review status: criteria provided, single submitter. Criteria: Invitae Variant Classification Sherloc (09022015). Collection method: clinical testing. Allele origin: germline.
Comment: This sequence change creates a premature translational stop signal (p.Lys1028Serfs*40) in the ATP7B gene. It is expected to result in an absent or disrupted protein product. Loss-of-function variants in ATP7B are known to be pathogenic (PMID: 10441329, 16283883). Information on the frequency of this variant in the gnomAD database is not available, as this variant may be reported differently in the database. This premature translational stop signal has been observed in individual(s) with Wilson disease (PMID: 8533760). This variant is also known as 3085delAGA>G. Algorithms developed to predict the effect of sequence changes on RNA splicing suggest that this variant may disrupt the consensus splice site. For these reasons, this variant has been classified as Pathogenic.

Baylor Genetics
Classification: Pathogenic for Wilson disease. Last evaluated: 2023-06-27. Review status: criteria provided, single submitter. Criteria: ACMG Guidelines, 2015. Collection method: clinical testing. Allele origin: unknown.

Women's Health and Genetics/Laboratory Corporation of America, LabCorp
Classification: Pathogenic for Wilson disease. Last evaluated: 2018-12-03. Review status: criteria provided, single submitter. Criteria: LabCorp Variant Classification Summary - May 2015. Collection method: clinical testing. Allele origin: germline.
Comment: Variant summary: ATP7B c.3083_3085delinsG (p.Lys1028SerfsX40) results in a premature termination codon, predicted to cause a truncation of the encoded protein or absence of the protein due to nonsense mediated decay, which are commonly known mechanisms for disease. Truncations downstream of this position have been classified as pathogenic by our laboratory (eg. c.3402delC, p.Ala1135fsX13; c.3955C>T, p.Arg1319X; c.4051C>T, p.Gln1351X). The variant was absent in 244720 control chromosomes (gnomAD). The variant, c.3083_3085delinsG, has been reported in the literature in individuals affected with Wilson Disease (Figus_1995, Bost_2012, Collet_2018, Waldenstrom_1996). These data indicate that the variant is likely to be associated with disease. To our knowledge, no experimental evidence demonstrating an impact on protein function has been reported. No clinical diagnostic laboratories have submitted clinical-significance assessments for this variant to ClinVar after 2014. Based on the evidence outlined above, the variant was classified as pathogenic.

Literature cited by the submitters: PubMed 8533760 (cited by 4 submitters); PubMed 8938442 (cited by 3 submitters); PubMed 22677543 (cited by 3 submitters); PubMed 30097039 (cited by 3 submitters); PubMed 10441329 (cited by Labcorp Genetics (formerly Invitae), Labcorp); PubMed 16283883 (cited by Labcorp Genetics (formerly Invitae), Labcorp).